The following is an entry in ClinVar:

NM_001354930.2(RIPK1):c.244A>G (p.Ile82Val)

Gene: RIPK1 (receptor interacting serine/threonine kinase 1; plus strand). Cytogenetic location: 6p25.2.
Variant type: single nucleotide variant.
Coding change: c.244A>G on transcript NM_001354930.2 (MANE Select); coding-DNA position 244, A replaced by G.
Protein change: p.Ile82Val; replaces isoleucine 82 with valine.
Molecular consequence: missense variant. On other transcripts: 5 prime UTR variant (4).
Genome position (GRCh38, 1-based): chr6:3,077,858, A>G. VCF-style: chr6-3077858-A-G. GRCh37 (hg19) VCF-style: chr6-3078092-A-G.
Other names: c.244A>G, p.Ile82Val (NM_003804.6, NM_001354931.2); c.-360A>G (NM_001317061.3, NM_001354932.2, NM_001354933.2 and 1 more transcripts); short protein forms I82V.
Identifiers: ClinVar variation 3686437 (VCV003686437.2).

ClinVar aggregate classification (germline): Uncertain significance (1 of 4 stars; one submission).

gnomAD v4.1: 3 of 1,614,116 alleles (0.00019%); highest among the groups gnomAD compares: South Asian, 0.0022%; no homozygotes.

Submission:

Labcorp Genetics (formerly Invitae), Labcorp
Classification: Uncertain significance. Last evaluated: 2024-04-02. Review status: criteria provided, single submitter. Criteria: Invitae Variant Classification Sherloc (09022015). Collection method: clinical testing. Allele origin: germline.
Comment: This sequence change replaces isoleucine, which is neutral and non-polar, with valine, which is neutral and non-polar, at codon 82 of the RIPK1 protein (p.Ile82Val). This variant is present in population databases (rs766375245, gnomAD 0.003%). This variant has not been reported in the literature in individuals affected with RIPK1-related conditions. Algorithms developed to predict the effect of missense changes on protein structure and function output the following: SIFT: "Not Available"; PolyPhen-2: "Benign"; Align-GVGD: "Not Available". The valine amino acid residue is found in multiple mammalian species, which suggests that this missense change does not adversely affect protein function. In summary, the available evidence is currently insufficient to determine the role of this variant in disease. Therefore, it has been classified as a Variant of Uncertain Significance.